The following is an entry in ClinVar:

ClinVar aggregate classification (germline): Benign (1 of 4 stars; one submission).

Conditions:
Dent disease type 1 (DENT1). Also called: NEPHROLITHIASIS 2; NEPHROLITHIASIS, HYPERCALCIURIC, X-LINKED. Identifiers: Orphanet 1652, Orphanet 93622, MedGen C1848336, MONDO:0010225, OMIM 300009.

Allele frequency attached by ClinVar (database versions not stated): gnomAD 0.00002 and 0.00006; TOPMed 0.00003; 1000 Genomes Project 30x 0.00062; 1000 Genomes Project 0.00079.

Submission:

Illumina Laboratory Services, Illumina
Classification: Benign for Dent disease type 1. Last evaluated: 2018-01-13. Review status: criteria provided, single submitter. Criteria: ICSL Variant Classification Criteria 13 December 2019. Collection method: clinical testing. Allele origin: germline.
Comment: This variant was observed in the ICSL laboratory as part of a predisposition screen in an ostensibly healthy population. It had not been previously curated by ICSL or reported in the Human Gene Mutation Database (HGMD: prior to June 1st, 2018), and was therefore a candidate for classification through an automated scoring system. Utilizing variant allele frequency, disease prevalence and penetrance estimates, and inheritance mode, an automated score was calculated to assess if this variant is too frequent to cause the disease. Based on the score and internal cut-off values, a variant classified as benign is not then subjected to further curation. The score for this variant resulted in a classification of benign for this disease.

NM_001127898.4(CLCN5):c.*1735T>C

Gene: CLCN5 (Cl-/H+ antiporter 5; plus strand). Cytogenetic location: Xp11.23.
Variant type: single nucleotide variant.
Coding change: c.*1735T>C on transcript NM_001127898.4 (MANE Select); 1735 bases downstream of the stop codon, T replaced by C.
Molecular consequence: 3 prime UTR variant.
Genome position (GRCh38, 1-based): chrX:50,093,954, T>C. VCF-style: chrX-50093954-T-C. GRCh37 (hg19) VCF-style: chrX-49858611-T-C.
Other names: c.*1735T>C (NM_000084.5, NM_001127899.4, NM_001282163.2).
Identifiers: ClinVar variation 368501 (VCV000368501.5), dbSNP rs782712129, ClinGen allele CA10653962.
Genomic context (GRCh38, chrX:50,093,954, plus strand): 5'-CACTGGATGCCTACGGCAGTGAGATTTCACTGCCGGGGTAAGAGTTCAGCCTGGATGATT[T>C]TATAGCTCTGTTCCTAGCACTTCTCATCATCCTTCCAGCCCAGAATCAGCGGTCATTCTG-3'